The following is an entry in ClinVar:

NM_000439.5(PCSK1):c.1294G>A (p.Gly432Ser)

Genes: CAST (calpastatin; plus strand), PCSK1 (proprotein convertase subtilisin/kexin type 1; minus strand), LOC101929710 (uncharacterized LOC101929710; plus strand). Cytogenetic location: 5q15.
Variant type: single nucleotide variant.
Coding change: c.1294G>A on transcript NM_000439.5 (MANE Select); coding-DNA position 1294, G replaced by A.
Protein change: p.Gly432Ser; replaces glycine 432 with serine.
Molecular consequence: missense variant. On other transcripts: intron variant (11).
Genome position (GRCh38, 1-based): chr5:96,400,089, C>T on the plus strand (G>A on the coding strand, the complement: PCSK1 is on the minus strand). VCF-style: chr5-96400089-C-T. GRCh37 (hg19) VCF-style: chr5-95735793-C-T.
Other names: c.1153G>A, p.Gly385Ser (NM_001177875.2); c.-175+20437C>T (NM_001423254.1, NM_001423259.1, NM_001423255.1 and 6 more transcripts); c.-103+20437C>T (NM_001423253.1); c.-40+20437C>T (NM_001423258.1); short protein forms G385S, G432S.
Identifiers: ClinVar variation 4989574 (VCV004989574.1).
Genomic context (GRCh38, chr5:96,400,089, plus strand): 5'-AATCCACCAGAGCTTTGGCATTTAGCAAGCCAAATCCAAATCGACTATTCACCATCAAGC[C>T]TGCTCCATTCTTTTTCCATCCAGGGTTATTGGCCAGCGGGTCATACTCAGAGGTCCAGAC-3'
Protein context (NP_000430.3, residues 422-442): NNPGWKKNGA[Gly432Ser]LMVNSRFGFG

ClinVar aggregate classification (germline): Uncertain significance (1 of 4 stars; one submission).

Conditions:
PCSK1-related disorder. Also called: PCSK1-related condition.

gnomAD v4.1: 3 of 1,614,066 alleles (0.00019%); highest among the groups gnomAD compares: African/African-American, 0.0027%; no homozygotes.

Submission:

PreventionGenetics, part of Exact Sciences
Classification: Uncertain significance for PCSK1-related condition. Last evaluated: 2026-08-17. Review status: criteria provided, single submitter. Criteria: ACMG Guidelines, 2015. Collection method: clinical testing. Allele origin: germline.
Comment: The PCSK1 c.1294G>A variant is predicted to result in the amino acid substitution p.Gly432Ser. This variant was observed in a cohort of obese individuals, and in vitro functional studies showed inconclusive evidence of loss of function (Supplemental Data Set, Shah et al. 2023. PubMed ID: 36864747). This variant is reported in 0.011% of alleles in individuals of African descent in gnomAD. At this time, the clinical significance of this variant is uncertain due to the absence of conclusive functional and genetic evidence.